The following is an entry in ClinVar:

ClinVar aggregate classification (germline): Conflicting classifications of pathogenicity. Review status: criteria provided, conflicting classifications (1 of 4 stars). 2 submissions from 2 submitters: Uncertain significance (1); Likely benign (1). Last evaluated 2026-04-14.

Conditions:
Hereditary pheochromocytoma and paraganglioma. Also called: Hereditary Paraganglioma-Pheochromocytoma Syndromes; Hereditary paragangliomas and pheochromocytomas; Hereditary pheochromocytoma-paraganglioma. Identifiers: Orphanet 29072, MedGen C4274332, MONDO:0017366.
Hereditary cancer-predisposing syndrome. Also called: Neoplastic Syndromes, Hereditary; Hereditary Cancer Syndrome; Tumor predisposition; Hereditary neoplastic syndrome. Identifiers: Orphanet 140162, MedGen C0027672, MeSH D009386, MONDO:0015356.

gnomAD v4.1: 1 of 1,614,062 alleles (0.000062%); no homozygotes.

Submissions (2):

Ambry Genetics
Classification: Likely benign for Hereditary cancer-predisposing syndrome. Last evaluated: 2026-04-14. Review status: criteria provided, single submitter. Criteria: Ambry Variant Classification Scheme 2023. Collection method: clinical testing. Allele origin: germline.

Labcorp Genetics (formerly Invitae), Labcorp
Classification: Uncertain significance for Hereditary pheochromocytoma and paraganglioma. Last evaluated: 2022-07-12. Review status: criteria provided, single submitter. Criteria: Invitae Variant Classification Sherloc (09022015). Collection method: clinical testing. Allele origin: germline.
Comment: Algorithms developed to predict the effect of missense changes on protein structure and function (SIFT, PolyPhen-2, Align-GVGD) all suggest that this variant is likely to be tolerated. This sequence change replaces asparagine, which is neutral and polar, with lysine, which is basic and polar, at codon 103 of the SDHAF2 protein (p.Asn103Lys). This variant is not present in population databases (gnomAD no frequency). This variant has not been reported in the literature in individuals affected with SDHAF2-related conditions. ClinVar contains an entry for this variant (Variation ID: 232561). In summary, the available evidence is currently insufficient to determine the role of this variant in disease. Therefore, it has been classified as a Variant of Uncertain Significance.

NM_017841.4(SDHAF2):c.309C>A (p.Asn103Lys)

Gene: SDHAF2 (succinate dehydrogenase complex assembly factor 2; plus strand). Cytogenetic location: 11q12.2.
Variant type: single nucleotide variant.
Coding change: c.309C>A on transcript NM_017841.4 (MANE Select); coding-DNA position 309, C replaced by A.
Protein change: p.Asn103Lys; replaces asparagine 103 with lysine.
Molecular consequence: missense variant.
Genome position (GRCh38, 1-based): chr11:61,438,052, C>A. VCF-style: chr11-61438052-C-A. GRCh37 (hg19) VCF-style: chr11-61205524-C-A.
Other names: short protein forms N103K.
Identifiers: ClinVar variation 232561 (VCV000232561.12), dbSNP rs184314049, ClinGen allele CA10579348.